The following is an entry in ClinVar:

ClinVar aggregate classification (germline): Uncertain significance. Review status: criteria provided, multiple submitters, no conflicts (2 of 4 stars). 2 submissions from 2 submitters: Uncertain significance (2). Last evaluated 2024-12-04.

Conditions:
Inborn genetic diseases. Identifiers: MedGen C0950123, MeSH D030342.
Combined oxidative phosphorylation defect type 17. Also called: Combined oxidative phosphorylation deficiency 17. Identifiers: Orphanet 369913, MedGen C3809526, MONDO:0014190, OMIM 615440.

Allele frequency attached by ClinVar (database versions not stated): TOPMed below 0.00001; gnomAD 0.00001.
gnomAD v4.1: 11 of 1,613,924 alleles (0.00068%); highest among the groups gnomAD compares: African/African-American, 0.0013%; no homozygotes.

Submissions (2):

Ambry Genetics
Classification: Uncertain significance for Inborn genetic diseases. Last evaluated: 2024-12-04. Review status: criteria provided, single submitter. Criteria: Ambry Variant Classification Scheme 2023. Collection method: clinical testing. Allele origin: germline.

Labcorp Genetics (formerly Invitae), Labcorp
Classification: Uncertain significance for Combined oxidative phosphorylation defect type 17. Last evaluated: 2021-12-07. Review status: criteria provided, single submitter. Criteria: Invitae Variant Classification Sherloc (09022015). Collection method: clinical testing. Allele origin: germline.
Comment: This sequence change replaces arginine, which is basic and polar, with cysteine, which is neutral and slightly polar, at codon 104 of the ELAC2 protein (p.Arg104Cys). This variant is present in population databases (rs748205884, gnomAD 0.007%). This variant has not been reported in the literature in individuals affected with ELAC2-related conditions. Algorithms developed to predict the effect of missense changes on protein structure and function are either unavailable or do not agree on the potential impact of this missense change (SIFT: "Deleterious"; PolyPhen-2: "Probably Damaging"; Align-GVGD: "Class C0"). In summary, the available evidence is currently insufficient to determine the role of this variant in disease. Therefore, it has been classified as a Variant of Uncertain Significance.

NM_018127.7(ELAC2):c.310C>T (p.Arg104Cys)

Gene: ELAC2 (elaC ribonuclease Z 2; minus strand). Cytogenetic location: 17p12.
Variant type: single nucleotide variant.
Coding change: c.310C>T on transcript NM_018127.7 (MANE Select); coding-DNA position 310, C replaced by T.
Protein change: p.Arg104Cys; replaces arginine 104 with cysteine.
Molecular consequence: missense variant.
Genome position (GRCh38, 1-based): chr17:13,016,919, G>A on the plus strand (C>T on the coding strand, the complement: ELAC2 is on the minus strand). VCF-style: chr17-13016919-G-A. GRCh37 (hg19) VCF-style: chr17-12920236-G-A.
Other names: c.310C>T, p.Arg104Cys (NM_001165962.2, NM_173717.2); c.310C>T (NM_018127.6); short protein forms R104C.
Identifiers: ClinVar variation 1356617 (VCV001356617.4), dbSNP rs748205884, ClinGen allele CA8401722.